The following is an entry in ClinVar:

ClinVar aggregate classification (germline): Uncertain significance (1 of 4 stars; one submission).

Allele frequency attached by ClinVar (database versions not stated): 1000 Genomes Project 0.00020; 1000 Genomes Project 30x 0.00031.
gnomAD v4.1: 1 of 1,613,992 alleles (0.000062%); highest among the groups gnomAD compares: African/African-American, 0.0013%; no homozygotes.

Submission:

Labcorp Genetics (formerly Invitae), Labcorp
Classification: Uncertain significance. Last evaluated: 2024-10-27. Review status: criteria provided, single submitter. Criteria: Invitae Variant Classification Sherloc (09022015). Collection method: clinical testing. Allele origin: germline.
Comment: This sequence change replaces proline, which is neutral and non-polar, with serine, which is neutral and polar, at codon 370 of the POLE protein (p.Pro370Ser). The frequency data for this variant in the population databases is considered unreliable, as metrics indicate poor data quality at this position in the gnomAD database. This variant has not been reported in the literature in individuals affected with POLE-related conditions. ClinVar contains an entry for this variant (Variation ID: 935503). An algorithm developed to predict the effect of missense changes on protein structure and function (PolyPhen-2) suggests that this variant is likely to be disruptive. In summary, the available evidence is currently insufficient to determine the role of this variant in disease. Therefore, it has been classified as a Variant of Uncertain Significance.

NM_006231.4(POLE):c.1108C>T (p.Pro370Ser)

Gene: POLE (DNA polymerase epsilon, catalytic subunit; minus strand). Cytogenetic location: 12q24.33.
Variant type: single nucleotide variant.
Coding change: c.1108C>T on transcript NM_006231.4 (MANE Select); coding-DNA position 1108, C replaced by T.
Protein change: p.Pro370Ser; replaces proline 370 with serine.
Molecular consequence: missense variant.
Genome position (GRCh38, 1-based): chr12:132,675,516, G>A on the plus strand (C>T on the coding strand, the complement: POLE is on the minus strand). VCF-style: chr12-132675516-G-A. GRCh37 (hg19) VCF-style: chr12-133252102-G-A.
Other names: short protein forms P370S.
Identifiers: ClinVar variation 935503 (VCV000935503.10), dbSNP rs576578672, ClinGen allele CA6894068.
Genomic context (GRCh38, chr12:132,675,516, plus strand): 5'-GGAAGCCTATCTCCTGCTGCATGCTCAGACCGTGGACTGCTGCCCGGGCCTCCACAAATG[G>A]CCTGGGTTGGAAAGAGGACAGACAAGCAAGTGGGCAGGTCAGGCTCTAATGCCCCTTTCT-3'
Protein context (NP_006222.2, residues 360-380): VTYNGDFFDW[Pro370Ser]FVEARAAVHG